The following is an entry in ClinVar:

ClinVar aggregate classification (germline): Uncertain significance (1 of 4 stars; one submission).

Submission:

Ambry Genetics
Classification: Uncertain significance. Last evaluated: 2022-09-12. Review status: criteria provided, single submitter. Criteria: Ambry Variant Classification Scheme 2023. Collection method: clinical testing. Allele origin: germline.
Comment: The p.D316N variant (also known as c.946G>A), located in coding exon 2 of the PALLD gene, results from a G to A substitution at nucleotide position 946. The aspartic acid at codon 316 is replaced by asparagine, an amino acid with highly similar properties. This amino acid position is conserved. In addition, this alteration is predicted to be tolerated by in silico analysis. Since supporting evidence is limited at this time, the clinical significance of this alteration remains unclear.

NM_001166108.2(PALLD):c.946G>A (p.Asp316Asn)

Gene: PALLD (palladin, cytoskeletal associated protein; plus strand). Cytogenetic location: 4q32.3.
Variant type: single nucleotide variant.
Coding change: c.946G>A on transcript NM_001166108.2 (MANE Select); coding-DNA position 946, G replaced by A.
Protein change: p.Asp316Asn; replaces aspartic acid 316 with asparagine.
Molecular consequence: missense variant. On other transcripts: 5 prime UTR variant (1).
Genome position (GRCh38, 1-based): chr4:168,668,227, G>A. VCF-style: chr4-168668227-G-A. GRCh37 (hg19) VCF-style: chr4-169589378-G-A.
Other names: c.-201G>A (NM_001166109.2); c.946G>A, p.Asp316Asn (NM_016081.4); short protein forms D316N.
Identifiers: ClinVar variation 1767062 (VCV001767062.2), dbSNP rs1477916241, ClinGen allele CA358793659.